The following is an entry in ClinVar:

NM_001282663.2(MICAL2):c.2262C>T (p.Ser754=)

Gene: MICAL2 (microtubule associated monooxygenase, calponin and LIM domain containing 2; plus strand). Cytogenetic location: 11p15.3.
Variant type: single nucleotide variant.
Coding change: c.2262C>T on transcript NM_001282663.2 (MANE Select); coding-DNA position 2262, C replaced by T.
Protein change: p.Ser754=; no amino-acid change (serine 754 retained).
Molecular consequence: synonymous variant. On other transcripts: non-coding transcript variant (6), intron variant (3).
Genome position (GRCh38, 1-based): chr11:12,241,087, C>T. VCF-style: chr11-12241087-C-T. GRCh37 (hg19) VCF-style: chr11-12262634-C-T.
Other names: c.2262C>T, p.Ser754= (NM_001282664.1, NM_001346292.2, NM_001346293.2 and 8 more transcripts); c.2214+1502C>T (NM_001282665.1, NM_001282666.1, NM_001282667.1).
Identifiers: ClinVar variation 2641610 (VCV002641610.24), dbSNP rs531909303, ClinGen allele CA5889772.
Genomic context (GRCh38, chr11:12,241,087, plus strand): 5'-TTTCTTCTCCCAGGAACGCCGTGTCTCAGGGATAGGTAAGCCGGTCCTGTGCTCTTCCTC[C>T]GGCCCTCCTGTTCACTCTTGCTGCCCCAAGCCGGAGGAGGCCACACCCAGCCCATCACCT-3'
Protein context (NP_001269592.1, residues 744-764): GIGKPVLCSS[Ser754=]GPPVHSCCPK

ClinVar aggregate classification (germline): Likely benign (1 of 4 stars; one submission).

Allele frequency attached by ClinVar (database versions not stated): TOPMed 0.00004; gnomAD 0.00009; gnomAD exomes 0.00017; 1000 Genomes Project 30x 0.00031; ExAC 0.00031; 1000 Genomes Project 0.00040.
gnomAD v4.1: 262 of 1,614,192 alleles (0.016%); highest among the groups gnomAD compares: Middle Eastern, 0.31%; 4 homozygotes.

Submission:

CeGaT Center for Human Genetics Tuebingen
Classification: Likely benign. Last evaluated: 2022-12-01. Review status: criteria provided, single submitter. Criteria: CeGaT Center For Human Genetics Tuebingen Variant Classification Criteria Version 2. Collection method: clinical testing. Allele origin: germline. Affected: yes. Observed: 1 variant allele.
Comment: MICAL2: BP4, BP7